The following is an entry in ClinVar:

ClinVar aggregate classification (germline): Uncertain significance (1 of 4 stars; one submission).

Submission:

Ambry Genetics
Classification: Uncertain significance. Last evaluated: 2025-07-10. Review status: criteria provided, single submitter. Criteria: Ambry Variant Classification Scheme 2023. Collection method: clinical testing. Allele origin: germline.
Comment: The p.I24V variant (also known as c.70A>G), located in coding exon 1 of the TET2 gene, results from an A to G substitution at nucleotide position 70. The isoleucine at codon 24 is replaced by valine, an amino acid with highly similar properties. This amino acid position is conserved. In addition, this alteration is predicted to be tolerated by in silico analysis. Based on the available evidence, the clinical significance of this variant remains unclear.

NM_001127208.3(TET2):c.70A>G (p.Ile24Val)

Genes: TET2 (tet methylcytosine dioxygenase 2; plus strand), TET2-AS1 (TET2 antisense RNA 1; minus strand). Cytogenetic location: 4q24.
Variant type: single nucleotide variant.
Coding change: c.70A>G on transcript NM_001127208.3 (MANE Select); coding-DNA position 70, A replaced by G.
Protein change: p.Ile24Val; replaces isoleucine 24 with valine.
Molecular consequence: missense variant.
Genome position (GRCh38, 1-based): chr4:105,234,012, A>G. VCF-style: chr4-105234012-A-G. GRCh37 (hg19) VCF-style: chr4-106155169-A-G.
Other names: c.70A>G, p.Ile24Val (NM_017628.4); short protein forms I24V.
Identifiers: ClinVar variation 4182955 (VCV004182955.1).